The following is an entry in ClinVar:

NM_007294.4(BRCA1):c.2066_2069del (p.Ser689fs)

Gene: BRCA1 (BRCA1 DNA repair associated; minus strand). Cytogenetic location: 17q21.31.
Variant type: Deletion.
Coding change: c.2066_2069del on transcript NM_007294.4 (MANE Select); coding-DNA positions 2066 to 2069, 4 bases deleted (GTAA; older notation c.2066_2069delGTAA).
Protein change: p.Ser689fs; shifts the reading frame from serine 689.
Molecular consequence: frameshift variant. On other transcripts: intron variant (137).
Genome position (GRCh38, 1-based): chr17:43,093,462-43,093,465, TTAC deleted on the plus strand (GTAA on the coding strand, the reverse complement: BRCA1 is on the minus strand); deleting any 4 consecutive bases within chr17:43,093,462-43,093,467 gives the same sequence; the c. name uses the placement nearest the transcript's 3' end. VCF-style (leftmost placement, unchanged base first): chr17-43093461-TTTAC-T. GRCh37 (hg19) VCF-style: chr17-41245478-TTTAC-T.
Other names: LRG_292t1:c.2066_2069delGTAA; c.2066_2069delGTAA (NM_007294.3); c.1853_1856del, p.Ser618fs (NM_001407571.1, NM_001407853.1, NM_001407894.1 and 9 more transcripts); c.2066_2069del, p.Ser689fs (NM_001407581.1, NM_001407582.1, NM_001407583.1 and 30 more transcripts); c.2063_2066del, p.Ser688fs (NM_001407587.1, NM_001407590.1, NM_001407591.1 and 22 more transcripts); c.2057_2060del, p.Ser686fs (NM_001407646.1, NM_001407647.1); c.1943_1946del, p.Ser648fs (NM_001407648.1, NM_001407664.1, NM_001407665.1 and 19 more transcripts); c.1940_1943del, p.Ser647fs (NM_001407649.1, NM_001407670.1, NM_001407671.1 and 11 more transcripts); and 42 more; short protein forms S642fs, S689fs, S521fs, S578fs, S601fs, S663fs, S393fs, S561fs.
Identifiers: ClinVar variation 254403 (VCV000254403.8), dbSNP rs886037994, ClinGen allele CA10586652.

ClinVar aggregate classification (germline): Pathogenic. Review status: reviewed by expert panel (3 of 4 stars). 4 submissions from 4 submitters: Pathogenic (1). 3 of the submissions do not count toward it. Last evaluated 2016-09-08.

Conditions:
Hereditary cancer-predisposing syndrome. Also called: Hereditary Cancer Syndrome; Neoplastic Syndromes, Hereditary; Hereditary neoplastic syndrome; Tumor predisposition. Identifiers: Orphanet 140162, MedGen C0027672, MeSH D009386, MONDO:0015356.
Breast-ovarian cancer, familial, susceptibility to, 1 (BROVCA1). Also called: BRCA1 Hereditary Breast and Ovarian Cancer; OVARIAN CANCER, SUSCEPTIBILITY TO. Identifiers: Orphanet 145, MedGen C2676676, MONDO:0011450, OMIM 604370. Disease mechanism: loss of function.

Submissions (4):

Evidence-based Network for the Interpretation of Germline Mutant Alleles (ENIGMA)
Classification: Pathogenic for Breast-ovarian cancer, familial, susceptibility to, 1. Last evaluated: 2016-09-08. Review status: reviewed by expert panel. Criteria: ENIGMA BRCA1/2 Classification Criteria (2015). Collection method: curation. Allele origin: germline.
Comment: Variant allele predicted to encode a truncated non-functional protein.

Equipe Genetique des Anomalies du Developpement, Université de Bourgogne
Classification: Pathogenic for Breast-ovarian cancer, familial, susceptibility to, 1. Last evaluated: 2019-05-16. Review status: criteria provided, single submitter. Criteria: ACMG Guidelines, 2015. Collection method: clinical testing. Allele origin: unknown. Affected: yes. Not counted in ClinVar's aggregate classification.

Ambry Genetics
Classification: Pathogenic for Hereditary cancer-predisposing syndrome. Last evaluated: 2017-07-06. Review status: criteria provided, single submitter. Criteria: Ambry Variant Classification Scheme 2023. Collection method: clinical testing. Allele origin: germline. Not counted in ClinVar's aggregate classification.
Comment: The c.2066_2069delGTAA pathogenic mutation, located in coding exon 9 of the BRCA1 gene, results from a deletion of 4 nucleotides at nucleotide positions 2066 to 2069, causing a translational frameshift with a predicted alternate stop codon (p.S689Kfs*11). This alteration is expected to result in loss of function by premature protein truncation or nonsense-mediated mRNA decay. As such, this alteration is interpreted as a disease-causing mutation.

Consortium of Investigators of Modifiers of BRCA1/2 (CIMBA), c/o University of Cambridge
Classification: Pathogenic for Breast-ovarian cancer, familial, susceptibility to, 1. Last evaluated: 2015-10-02. Review status: criteria provided, single submitter. Criteria: CIMBA Mutation Classification guidelines May 2016. Collection method: clinical testing. Allele origin: germline. Not counted in ClinVar's aggregate classification.